The following is an entry in ClinVar:

NM_015599.3(PGM3):c.510C>A (p.Asn170Lys)

Gene: PGM3 (phosphoglucomutase 3; minus strand). Cytogenetic location: 6q14.1.
Variant type: single nucleotide variant.
Coding change: c.510C>A on transcript NM_015599.3 (MANE Select); coding-DNA position 510, C replaced by A.
Protein change: p.Asn170Lys; replaces asparagine 170 with lysine.
Molecular consequence: missense variant. On other transcripts: non-coding transcript variant (1).
Genome position (GRCh38, 1-based): chr6:83,182,926, G>T on the plus strand (C>A on the coding strand, the complement: PGM3 is on the minus strand). VCF-style: chr6-83182926-G-T. GRCh37 (hg19) VCF-style: chr6-83892645-G-T.
Other names: c.594C>A, p.Asn198Lys (NM_001199917.2, NM_001367287.1); c.267C>A, p.Asn89Lys (NM_001199918.2); c.510C>A, p.Asn170Lys (NM_001199919.2, NM_001367286.1); short protein forms N170K, N198K, N89K.
Identifiers: ClinVar variation 1349175 (VCV001349175.6), dbSNP rs2128498553, ClinGen allele CA364882731.

ClinVar aggregate classification (germline): Uncertain significance (1 of 4 stars; one submission).

Conditions:
Immunodeficiency 23 (IMD23). Also called: IMMUNODEFICIENCY WITH HYPER IgE AND COGNITIVE IMPAIRMENT; IMMUNODEFICIENCY-VASCULITIS-MYOCLONUS SYNDROME. Identifiers: Orphanet 443811, MedGen C4014371, MONDO:0014353, OMIM 615816.

Submission:

Labcorp Genetics (formerly Invitae), Labcorp
Classification: Uncertain significance for Immunodeficiency 23. Last evaluated: 2021-08-27. Review status: criteria provided, single submitter. Criteria: Invitae Variant Classification Sherloc (09022015). Collection method: clinical testing. Allele origin: germline.
Comment: In summary, the available evidence is currently insufficient to determine the role of this variant in disease. Therefore, it has been classified as a Variant of Uncertain Significance. Algorithms developed to predict the effect of missense changes on protein structure and function (SIFT, PolyPhen-2, Align-GVGD) all suggest that this variant is likely to be disruptive. This variant has not been reported in the literature in individuals affected with PGM3-related conditions. This variant is not present in population databases (ExAC no frequency). This sequence change replaces asparagine with lysine at codon 198 of the PGM3 protein (p.Asn198Lys). The asparagine residue is highly conserved and there is a moderate physicochemical difference between asparagine and lysine.